The following is an entry in ClinVar:

NM_006531.5(IFT88):c.1A>G (p.Met1Val)

Gene: IFT88 (intraflagellar transport 88; plus strand). Cytogenetic location: 13q12.11.
Variant type: single nucleotide variant.
Coding change: c.1A>G on transcript NM_006531.5 (MANE Select); coding-DNA position 1, A replaced by G.
Protein change: p.Met1Val; changes the start codon (methionine 1).
Molecular consequence: missense variant, initiator codon variant. On other transcripts: 5 prime UTR variant (1), non-coding transcript variant (5).
Genome position (GRCh38, 1-based): chr13:20,574,386, A>G. VCF-style: chr13-20574386-A-G. GRCh37 (hg19) VCF-style: chr13-21148525-A-G.
Other names: c.-563A>G (NM_001353579.2); c.28A>G, p.Met10Val (NM_175605.5, NM_001318493.2, NM_001353565.2 and 6 more transcripts); c.1A>G, p.Met1Val (NM_001318491.2, NM_001353568.2, NM_001353571.2 and 5 more transcripts); short protein forms M1V, M10V.
Identifiers: ClinVar variation 2715014 (VCV002715014.3), dbSNP rs191277814, ClinGen allele CA6904919.
Genomic context (GRCh38, chr13:20,574,386, plus strand): 5'-ATATATATATATTTCTTATACCAAGAACATATTTACACTGCCAGTTTTTCCTAGGTACAA[A>G]TGATGCAAAATGTGCACCTGGCTCCAGAGACAGATGAAGATGATCTTTATTCCGGCTATA-3'
Protein context (NP_006522.2, residues 1-11): [Met1Val]MQNVHLAPET

ClinVar aggregate classification (germline): Uncertain significance (1 of 4 stars; one submission).

Allele frequency attached by ClinVar (database versions not stated): TOPMed below 0.00001; gnomAD exomes 0.00006; ExAC 0.00010; gnomAD 0.00010; 1000 Genomes Project 30x 0.00016; 1000 Genomes Project 0.00020.

Submission:

Labcorp Genetics (formerly Invitae), Labcorp
Classification: Uncertain significance. Last evaluated: 2022-11-11. Review status: criteria provided, single submitter. Criteria: Invitae Variant Classification Sherloc (09022015). Collection method: clinical testing. Allele origin: germline.
Comment: In summary, the available evidence is currently insufficient to determine the role of this variant in disease. Therefore, it has been classified as a Variant of Uncertain Significance. Experimental studies and prediction algorithms are not available or were not evaluated, and the functional significance of this variant is currently unknown. This variant has not been reported in the literature in individuals affected with IFT88-related conditions. This variant is present in population databases (rs191277814, gnomAD 0.1%), and has an allele count higher than expected for a pathogenic variant. This sequence change replaces methionine, which is neutral and non-polar, with valine, which is neutral and non-polar, at codon 10 of the IFT88 protein (p.Met10Val).